The following is an entry in ClinVar:

NM_152594.3(SPRED1):c.1176G>A (p.Ser392=)

Gene: SPRED1 (sprouty related EVH1 domain containing 1; plus strand). Cytogenetic location: 15q14.
Variant type: single nucleotide variant.
Coding change: c.1176G>A on transcript NM_152594.3 (MANE Select); coding-DNA position 1176, G replaced by A.
Protein change: p.Ser392=; no amino-acid change (serine 392 retained).
Molecular consequence: synonymous variant.
Genome position (GRCh38, 1-based): chr15:38,351,505, G>A. VCF-style: chr15-38351505-G-A. GRCh37 (hg19) VCF-style: chr15-38643706-G-A.
Identifiers: ClinVar variation 390623 (VCV000390623.41), dbSNP rs755223172, ClinGen allele CA7470237.

ClinVar aggregate classification (germline): Likely benign. Review status: criteria provided, multiple submitters, no conflicts (2 of 4 stars). 6 submissions from 6 submitters: Likely benign (6). Last evaluated 2025-06-01.

Conditions:
Cardiovascular phenotype. Identifiers: MedGen CN230736.
Legius syndrome. Identifiers: Orphanet 137605, MedGen C1969623, MONDO:0012669, OMIM 611431. Disease mechanism: loss of function.

Allele frequency attached by ClinVar (database versions not stated): ExAC 0.00002; gnomAD exomes 0.00002; gnomAD 0.00004 and 0.00005; TOPMed 0.00004.
gnomAD v4.1: 63 of 1,613,944 alleles (0.0039%); highest among the groups gnomAD compares: African/African-American, 0.011%; no homozygotes.

Submissions (6):

Labcorp Genetics (formerly Invitae), Labcorp
Classification: Likely benign for Legius syndrome. Last evaluated: 2025-06-01. Review status: criteria provided, single submitter. Criteria: Invitae Variant Classification Sherloc (09022015). Collection method: clinical testing. Allele origin: germline.

Blueprint Genetics
Classification: Likely benign. Last evaluated: 2024-07-01. Review status: criteria provided, single submitter. Criteria: ACMG Guidelines, 2015. Collection method: clinical testing. Allele origin: germline.

Women's Health and Genetics/Laboratory Corporation of America, LabCorp
Classification: Likely benign. Last evaluated: 2024-03-17. Review status: criteria provided, single submitter. Criteria: LabCorp Variant Classification Summary - May 2015. Collection method: clinical testing. Allele origin: germline.

CeGaT Center for Human Genetics Tuebingen
Classification: Likely benign. Last evaluated: 2023-04-01. Review status: criteria provided, single submitter. Criteria: CeGaT Center For Human Genetics Tuebingen Variant Classification Criteria Version 2. Collection method: clinical testing. Allele origin: germline. Affected: yes. Observed: 1 variant allele.
Comment: SPRED1: BP4, BP7

Ambry Genetics
Classification: Likely benign for Cardiovascular phenotype. Last evaluated: 2020-11-12. Review status: criteria provided, single submitter. Criteria: Ambry Variant Classification Scheme 2023. Collection method: clinical testing. Allele origin: germline.

GeneDx
Classification: Likely benign. Last evaluated: 2016-10-31. Review status: criteria provided, single submitter. Criteria: GeneDx Variant Classification (06012015). Collection method: clinical testing. Allele origin: germline. Affected: yes.
Comment: This variant is considered likely benign or benign based on one or more of the following criteria: it is a conservative change, it occurs at a poorly conserved position in the protein, it is predicted to be benign by multiple in silico algorithms, and/or has population frequency not consistent with disease.